The following is an entry in ClinVar:

ClinVar aggregate classification (germline): Uncertain significance (1 of 4 stars; one submission).

Conditions:
Gorlin syndrome. Also called: Basal cell nevus syndrome; Nevoid Basal Cell Carcinoma Syndrome. Identifiers: Orphanet 377, MedGen C0004779, MONDO:0007187.

Allele frequency attached by ClinVar (database versions not stated): ExAC 0.00002; gnomAD 0.00002 and 0.00003; gnomAD exomes 0.00002 and 0.00008; TOPMed 0.00005; ESP Exome Variant Server 0.00008.

Submission:

Labcorp Genetics (formerly Invitae), Labcorp
Classification: Uncertain significance for Gorlin syndrome. Last evaluated: 2021-06-25. Review status: criteria provided, single submitter. Criteria: Invitae Variant Classification Sherloc (09022015). Collection method: clinical testing. Allele origin: germline.
Comment: This variant has not been reported in the literature in individuals with PTCH2-related disease. This sequence change replaces valine with methionine at codon 564 of the PTCH2 protein (p.Val564Met). The valine residue is moderately conserved and there is a small physicochemical difference between valine and methionine. This variant is present in population databases (rs35956045, ExAC 0.01%). Algorithms developed to predict the effect of missense changes on protein structure and function do not agree on the potential impact of this missense change (SIFT: "Deleterious"; PolyPhen-2: "Benign"; Align-GVGD: "Class C0"). In summary, the available evidence is currently insufficient to determine the role of this variant in disease. Therefore, it has been classified as a Variant of Uncertain Significance.

NM_003738.5(PTCH2):c.1690G>A (p.Val564Met)

Gene: PTCH2 (patched 2; minus strand). Cytogenetic location: 1p34.1.
Variant type: single nucleotide variant.
Coding change: c.1690G>A on transcript NM_003738.5 (MANE Select); coding-DNA position 1690, G replaced by A.
Protein change: p.Val564Met; replaces valine 564 with methionine.
Molecular consequence: missense variant.
Genome position (GRCh38, 1-based): chr1:44,828,315, C>T on the plus strand (G>A on the coding strand, the complement: PTCH2 is on the minus strand). VCF-style: chr1-44828315-C-T. GRCh37 (hg19) VCF-style: chr1-45293987-C-T.
Other names: c.1690G>A, p.Val564Met (NM_001166292.2); short protein forms V564M.
Identifiers: ClinVar variation 956752 (VCV000956752.8), dbSNP rs35956045, ClinGen allele CA823208.